The following is an entry in ClinVar:

ClinVar aggregate classification (germline): Uncertain significance (1 of 4 stars; one submission).

Conditions:
Aplastic anemia. Identifiers: Orphanet 182040, Orphanet 88, MedGen C0002874, MONDO:0015909, OMIM 609135, HP:0001915.
Shwachman-Diamond syndrome 1 (SDS1). Also called: LIPOMATOSIS OF PANCREAS, CONGENITAL. Identifiers: MedGen C4692625, MONDO:0044204, OMIM 260400.

Submission:

Juno Genomics, Hangzhou Juno Genomics, Inc
Classification: Uncertain significance for Shwachman-Diamond syndrome 1; Aplastic anemia. Review status: criteria provided, single submitter. Criteria: ACMG Guidelines, 2015. Collection method: clinical testing. Allele origin: germline. Affected: yes.
Comment: Absent from controls (or at extremely low frequency if recessive) in Genome Aggregation Database, Exome Sequencing Project, 1000 Genomes Project, or Exome Aggregation Consortium.;Multiple lines of computational evidence support a deleterious effect on the gene or gene product (conservation, evolutionary, splicing impact, etc).;For recessive disorders, detected in trans with a pathogenic variant.

NM_016038.4(SBDS):c.40A>G (p.Asn14Asp)

Gene: SBDS (SBDS ribosome maturation factor; minus strand). Cytogenetic location: 7q11.21.
Variant type: single nucleotide variant.
Coding change: c.40A>G on transcript NM_016038.4 (MANE Select); coding-DNA position 40, A replaced by G.
Protein change: p.Asn14Asp; replaces asparagine 14 with aspartic acid.
Molecular consequence: missense variant.
Genome position (GRCh38, 1-based): chr7:66,995,378, T>C on the plus strand (A>G on the coding strand, the complement: SBDS is on the minus strand). VCF-style: chr7-66995378-T-C. GRCh37 (hg19) VCF-style: chr7-66460365-T-C.
Other names: short protein forms N14D.
Identifiers: ClinVar variation 3382931 (VCV003382931.2).
Genomic context (GRCh38, chr7:66,995,378, plus strand): 5'-TTTTGTAGCAGGCGATTTCGAAGCGCTTCCCGGCACGCTTCATCCGTACCACGGCCACAT[T>C]GGTTAGGCGGATCTGGTTGGTGGGGGTGAAGATCGACATCGCGGCTGTTCAAAGACCCAG-3'
Protein context (NP_057122.2, residues 4-24): FTPTNQIRLT[Asn14Asp]VAVVRMKRAG